The following is an entry in ClinVar:

NM_001093.4(ACACB):c.4761C>T (p.Thr1587=)

Gene: ACACB (acetyl-CoA carboxylase beta; plus strand). Cytogenetic location: 12q24.11.
Variant type: single nucleotide variant.
Coding change: c.4761C>T on transcript NM_001093.4 (MANE Select); coding-DNA position 4761, C replaced by T.
Protein change: p.Thr1587=; no amino-acid change (threonine 1587 retained).
Molecular consequence: synonymous variant.
Genome position (GRCh38, 1-based): chr12:109,239,928, C>T. VCF-style: chr12-109239928-C-T. GRCh37 (hg19) VCF-style: chr12-109677733-C-T.
Other names: c.4761C>T, p.Thr1587= (NM_001412734.1, NM_001412735.1); c.4155C>T, p.Thr1385= (NM_001412736.1, NM_001412739.1); c.4134C>T, p.Thr1378= (NM_001412737.1); c.3966C>T, p.Thr1322= (NM_001412738.1).
Identifiers: ClinVar variation 5040892 (VCV005040892.1).

ClinVar aggregate classification (germline): Likely benign (1 of 4 stars; one submission).

gnomAD v4.1: 21 of 1,614,076 alleles (0.0013%); highest among the groups gnomAD compares: African/African-American, 0.004%; no homozygotes.

Submission:

CeGaT Center for Human Genetics Tuebingen
Classification: Likely benign. Last evaluated: 2026-09-01. Review status: criteria provided, single submitter. Criteria: CeGaT Center For Human Genetics Tuebingen Variant Classification Criteria Version 2. Collection method: clinical testing. Allele origin: germline. Affected: yes. Observed: 1 variant allele.
Comment: ACACB: BP4, BP7